The following is an entry in ClinVar:

NM_001163809.2(WDR81):c.2486G>A (p.Ser829Asn)

Gene: WDR81 (WD repeat domain 81; plus strand). Cytogenetic location: 17p13.3.
Variant type: single nucleotide variant.
Coding change: c.2486G>A on transcript NM_001163809.2 (MANE Select); coding-DNA position 2486, G replaced by A.
Protein change: p.Ser829Asn; replaces serine 829 with asparagine.
Molecular consequence: missense variant. On other transcripts: intron variant (3).
Genome position (GRCh38, 1-based): chr17:1,727,445, G>A. VCF-style: chr17-1727445-G-A. GRCh37 (hg19) VCF-style: chr17-1630739-G-A.
Other names: c.-123-545G>A (NM_152348.4); c.59-2935G>A (NM_001163673.2); c.-15+2659G>A (NM_001163811.2); short protein forms S829N.
Identifiers: ClinVar variation 4529997 (VCV004529997.1).
Genomic context (GRCh38, chr17:1,727,445, plus strand): 5'-GCCACCCCAAGGAGGTCCCTGTGTCTTTGCAGCCCGTGCTGGACACACTCCTGCAGATGA[G>A]TGGCCCCGAAGTCCCCATGGGAGCAGAGAGGGGCAAGCTGGACCAACTGTTTGAGTACAG-3'
Protein context (NP_001157281.1, residues 819-839): QPVLDTLLQM[Ser829Asn]GPEVPMGAER

ClinVar aggregate classification (germline): Uncertain significance (1 of 4 stars; one submission).

Submission:

GeneDx
Classification: Uncertain significance. Last evaluated: 2025-05-17. Review status: criteria provided, single submitter. Criteria: GeneDx Variant Classification Process June 2021. Collection method: clinical testing. Allele origin: germline. Affected: yes.
Comment: Not observed at significant frequency in large population cohorts (gnomAD); In silico analysis suggests that this missense variant does not alter protein structure/function; Has not been previously published as pathogenic or benign to our knowledge